The following is an entry in ClinVar:

ClinVar aggregate classification (germline): Benign (3 of 4 stars; one submission).

Conditions:
Breast-ovarian cancer, familial, susceptibility to, 1 (BROVCA1). Also called: BRCA1 Hereditary Breast and Ovarian Cancer; OVARIAN CANCER, SUSCEPTIBILITY TO. Identifiers: Orphanet 145, MedGen C2676676, MONDO:0011450, OMIM 604370. Disease mechanism: loss of function.

Allele frequency attached by ClinVar (database versions not stated): gnomAD 0.01488 and 0.01580; TOPMed 0.01723; 1000 Genomes Project 0.01797; 1000 Genomes Project 30x 0.01936.
gnomAD v4.1: 2,239 of 152,234 alleles (1.5%); highest among the groups gnomAD compares: African/African-American, 5.1%; 47 homozygotes.

Submission:

Evidence-based Network for the Interpretation of Germline Mutant Alleles (ENIGMA)
Classification: Benign for Breast-ovarian cancer, familial 1. Last evaluated: 2015-01-12. Review status: reviewed by expert panel. Criteria: ENIGMA BRCA1/2 Classification Criteria (2015). Collection method: curation. Allele origin: germline.
Comment: Class 1 not pathogenic based on frequency >1% in an outbred sampleset. Frequency 0.05285 (African), derived from 1000 genomes (2012-04-30).

NM_007294.4(BRCA1):c.212+657A>G

Gene: BRCA1 (BRCA1 DNA repair associated; minus strand). Cytogenetic location: 17q21.31.
Variant type: single nucleotide variant.
Coding change: c.212+657A>G on transcript NM_007294.4 (MANE Select); 657 bases into the intron after coding-DNA position 212, A replaced by G.
Molecular consequence: intron variant.
Genome position (GRCh38, 1-based): chr17:43,105,799, T>C on the plus strand (A>G on the coding strand, the complement: BRCA1 is on the minus strand). VCF-style: chr17-43105799-T-C. GRCh37 (hg19) VCF-style: chr17-41257816-T-C.
Other names: IVS 5+657A>G; c.71+657A>G (NM_001408504.1, NM_001408463.1, NM_001407847.1 and 99 more transcripts); c.212+657A>G (NM_001408422.1, NM_001408450.1, NM_001408434.1 and 167 more transcripts); c.2+679A>G (NM_001407896.1, NM_001407900.1, NM_001407952.1 and 58 more transcripts); c.135-843A>G (NM_001407874.1, NM_001408416.1, NM_001408414.1 and 21 more transcripts); c.-218-10939A>G (NM_001407967.1, NM_001407966.1); c.-169-843A>G (NM_001407959.1, NM_001407962.1, NM_001408512.1 and 4 more transcripts); c.81-843A>G (NM_001408451.1).
Identifiers: ClinVar variation 209490 (VCV000209490.2), dbSNP rs8176132, ClinGen allele CA276460.